The following is an entry in ClinVar:

ClinVar aggregate classification (germline): Likely pathogenic. Review status: criteria provided, multiple submitters, no conflicts (2 of 4 stars). 3 submissions from 3 submitters: Likely pathogenic (2). 1 of the submissions does not count toward it. Last evaluated 2024-07-18.

Conditions:
RPS29-related disorder. Also called: RPS29-related condition.
Diamond-Blackfan anemia 13 (DBA13). Identifiers: Orphanet 124, MedGen C4014641, MONDO:0014394, OMIM 615909.

Submissions (3):

Blueprint Genetics
Classification: Likely pathogenic for RPS29-related disorders. Last evaluated: 2024-07-18. Review status: criteria provided, single submitter. Criteria: ACMG Guidelines, 2015. Collection method: clinical testing. Allele origin: germline. Affected: yes. Observed: 4 variant alleles.

Centre for Mendelian Genomics, University Medical Centre Ljubljana
Classification: Likely pathogenic for Diamond-Blackfan anemia 13. Last evaluated: 2019-06-26. Review status: criteria provided, single submitter. Criteria: ACMG Guidelines, 2015. Collection method: clinical testing. Allele origin: unknown. Affected: yes.
Comment: This variant was classified as: Likely pathogenic. The following ACMG criteria were applied in classifying this variant: PS3,PM2,PP3.

OMIM
Classification: Pathogenic for DIAMOND-BLACKFAN ANEMIA 13. Last evaluated: 2014-07-03. Review status: no assertion criteria provided. Collection method: literature only. Allele origin: germline. Not counted in ClinVar's aggregate classification.

Literature cited by the submitters: PubMed 24829207 (cited by OMIM).

NM_001032.5(RPS29):c.149T>C (p.Ile50Thr)

Gene: RPS29 (ribosomal protein S29; minus strand). Cytogenetic location: 14q21.3.
Variant type: single nucleotide variant.
Coding change: c.149T>C on transcript NM_001032.5 (MANE Select); coding-DNA position 149, T replaced by C.
Protein change: p.Ile50Thr; replaces isoleucine 50 with threonine.
Molecular consequence: missense variant.
Genome position (GRCh38, 1-based): chr14:49,585,963, A>G on the plus strand (T>C on the coding strand, the complement: RPS29 is on the minus strand). VCF-style: chr14-49585963-A-G. GRCh37 (hg19) VCF-style: chr14-50052681-A-G.
Other names: c.149T>C, p.Ile50Thr (NM_001030001.4); c.140T>C, p.Ile47Thr (NM_001351375.2); short protein forms I50T, I47T.
Identifiers: ClinVar variation 140739 (VCV000140739.5), dbSNP rs587777569, ClinGen allele CA163479.